The following is an entry in ClinVar:

ClinVar aggregate classification (germline): Conflicting classifications of pathogenicity. Review status: criteria provided, conflicting classifications (1 of 4 stars). 3 submissions from 3 submitters: Uncertain significance (2); Likely benign (1). Last evaluated 2025-10-23.

Allele frequency attached by ClinVar (database versions not stated): ExAC 0.00001; gnomAD 0.00001; gnomAD exomes 0.00002; TOPMed 0.00002.
gnomAD v4.1: 33 of 1,614,092 alleles (0.002%); highest among the groups gnomAD compares: Non-Finnish European, 0.0026%; no homozygotes.

Submissions (3):

Labcorp Genetics (formerly Invitae), Labcorp
Classification: Uncertain significance. Last evaluated: 2025-10-23. Review status: criteria provided, single submitter. Criteria: Invitae Variant Classification Sherloc (09022015). Collection method: clinical testing. Allele origin: germline.
Comment: This sequence change replaces valine, which is neutral and non-polar, with isoleucine, which is neutral and non-polar, at codon 501 of the KANK1 protein (p.Val501Ile). This variant is present in population databases (rs765165659, gnomAD 0.007%). This variant has not been reported in the literature in individuals affected with KANK1-related conditions. ClinVar contains an entry for this variant (Variation ID: 1917686). Invitae Evidence Modeling of protein sequence and biophysical properties (such as structural, functional, and spatial information, amino acid conservation, physicochemical variation, residue mobility, and thermodynamic stability) indicates that this missense variant is not expected to disrupt KANK1 protein function with a negative predictive value of 80%. In summary, the available evidence is currently insufficient to determine the role of this variant in disease. Therefore, it has been classified as a Variant of Uncertain Significance.

Blueprint Genetics
Classification: Likely benign. Last evaluated: 2023-12-27. Review status: criteria provided, single submitter. Criteria: ACMG Guidelines, 2015. Collection method: clinical testing. Allele origin: germline.

Ambry Genetics
Classification: Uncertain significance. Last evaluated: 2022-10-26. Review status: criteria provided, single submitter. Criteria: Ambry Variant Classification Scheme 2023. Collection method: clinical testing. Allele origin: germline.

NM_015158.5(KANK1):c.1501G>A (p.Val501Ile)

Gene: KANK1 (KN motif and ankyrin repeat domains 1; plus strand). Cytogenetic location: 9p24.3.
Variant type: single nucleotide variant.
Coding change: c.1501G>A on transcript NM_015158.5 (MANE Select); coding-DNA position 1501, G replaced by A.
Protein change: p.Val501Ile; replaces valine 501 with isoleucine.
Molecular consequence: missense variant. On other transcripts: non-coding transcript variant (1).
Genome position (GRCh38, 1-based): chr9:712,267, G>A. VCF-style: chr9-712267-G-A. GRCh37 (hg19) VCF-style: chr9-712267-G-A.
Other names: c.1501G>A, p.Val501Ile (NM_001256876.3, NM_001256877.3, NM_001354331.2 and 2 more transcripts); c.1027G>A, p.Val343Ile (NM_001354333.2, NM_001354335.2, NM_001354336.2 and 9 more transcripts); short protein forms V343I, V501I.
Identifiers: ClinVar variation 1917686 (VCV001917686.7), dbSNP rs765165659, ClinGen allele CA4960238.